The following is an entry in ClinVar:

NM_003998.4(NFKB1):c.1214A>G (p.Tyr405Cys)

Gene: NFKB1 (nuclear factor kappa B subunit 1; plus strand). Cytogenetic location: 4q24.
Variant type: single nucleotide variant.
Coding change: c.1214A>G on transcript NM_003998.4 (MANE Select); coding-DNA position 1214, A replaced by G.
Protein change: p.Tyr405Cys; replaces tyrosine 405 with cysteine.
Molecular consequence: missense variant.
Genome position (GRCh38, 1-based): chr4:102,594,895, A>G. VCF-style: chr4-102594895-A-G. GRCh37 (hg19) VCF-style: chr4-103516052-A-G.
Other names: c.1211A>G, p.Tyr404Cys (NM_001165412.2, NM_001319226.2, NM_001382627.1); c.1214A>G, p.Tyr405Cys (NM_001382625.1, NM_001382626.1); c.1172A>G, p.Tyr391Cys (NM_001382628.1); short protein forms Y404C, Y405C, Y391C.
Identifiers: ClinVar variation 2912406 (VCV002912406.3), dbSNP rs573164232, ClinGen allele CA3026108.

ClinVar aggregate classification (germline): Uncertain significance (1 of 4 stars; one submission).

Allele frequency attached by ClinVar (database versions not stated): gnomAD exomes 0.00001; 1000 Genomes Project 30x 0.00016; 1000 Genomes Project 0.00020; TOPMed below 0.00001; ExAC 0.00001; gnomAD 0.00001.
gnomAD v4.1: 9 of 1,608,236 alleles (0.00056%); highest among the groups gnomAD compares: Admixed American, 0.0067%; no homozygotes.

Submission:

Labcorp Genetics (formerly Invitae), Labcorp
Classification: Uncertain significance. Last evaluated: 2023-07-06. Review status: criteria provided, single submitter. Criteria: Invitae Variant Classification Sherloc (09022015). Collection method: clinical testing. Allele origin: germline.
Comment: This sequence change replaces tyrosine, which is neutral and polar, with cysteine, which is neutral and slightly polar, at codon 405 of the NFKB1 protein (p.Tyr405Cys). This variant is present in population databases (rs573164232, gnomAD 0.006%). This variant has not been reported in the literature in individuals affected with NFKB1-related conditions. An algorithm developed to predict the effect of missense changes on protein structure and function (PolyPhen-2) suggests that this variant is likely to be disruptive. Experimental studies have shown that this missense change does not substantially affect NFKB1 function (PMID: 36105815). In summary, the available evidence is currently insufficient to determine the role of this variant in disease. Therefore, it has been classified as a Variant of Uncertain Significance.

Literature cited by the submitters: PubMed 36105815.